The following is an entry in ClinVar:

ClinVar aggregate classification (germline): Uncertain significance (1 of 4 stars; one submission).

gnomAD v4.1: 11 of 1,613,124 alleles (0.00068%); highest among the groups gnomAD compares: Middle Eastern, 0.017%; no homozygotes.

Submission:

GeneDx
Classification: Uncertain significance. Last evaluated: 2025-06-25. Review status: criteria provided, single submitter. Criteria: GeneDx Variant Classification Process June 2021. Collection method: clinical testing. Allele origin: germline. Affected: yes.
Comment: In silico analysis supports that this missense variant has a deleterious effect on protein structure/function; Has not been previously published as pathogenic or benign to our knowledge

NM_021098.3(CACNA1H):c.4684C>T (p.Arg1562Trp)

Gene: CACNA1H (calcium voltage-gated channel subunit alpha1 H; plus strand). Cytogenetic location: 16p13.3.
Variant type: single nucleotide variant.
Coding change: c.4684C>T on transcript NM_021098.3 (MANE Select); coding-DNA position 4684, C replaced by T.
Protein change: p.Arg1562Trp; replaces arginine 1562 with tryptophan.
Molecular consequence: missense variant.
Genome position (GRCh38, 1-based): chr16:1,212,063, C>T. VCF-style: chr16-1212063-C-T. GRCh37 (hg19) VCF-style: chr16-1262063-C-T.
Other names: c.4684C>T, p.Arg1562Trp (NM_001005407.2); short protein forms R1562W.
Identifiers: ClinVar variation 4539835 (VCV004539835.1).
Genomic context (GRCh38, chr16:1,212,063, plus strand): 5'-GTCAGCTTCTTCGTGCTCAACATGTTCGTGGGCGTCGTGGTCGAGAACTTCCACAAGTGC[C>T]GGCAGCACCAGGAGGCGGAGGAGGCGCGGCGGCGAGAGGAGAAGCGGCTGCGGCGCCTAG-3'
Protein context (NP_066921.2, residues 1552-1572): GVVVENFHKC[Arg1562Trp]QHQEAEEARR